The following is an entry in ClinVar:

ClinVar aggregate classification (germline): Likely benign (0 of 4 stars; one submission).

Conditions:
SERPINA7-related disorder. Also called: SERPINA7-related condition.

Allele frequency attached by ClinVar (database versions not stated): 1000 Genomes Project 30x 0.00021; 1000 Genomes Project 0.00026; TOPMed 0.00090; gnomAD 0.00099.

Submission:

PreventionGenetics, part of Exact Sciences
Classification: Likely benign for SERPINA7-related condition. Last evaluated: 2019-11-11. Review status: no assertion criteria provided. Collection method: clinical testing. Allele origin: germline.
Comment: This variant is classified as likely benign based on ACMG/AMP sequence variant interpretation guidelines (Richards et al. 2015 PMID: 25741868, with internal and published modifications).

NM_000354.6(SERPINA7):c.-26G>A

Gene: SERPINA7 (serpin family A member 7; minus strand). Cytogenetic location: Xq22.3.
Variant type: single nucleotide variant.
Coding change: c.-26G>A on transcript NM_000354.6 (MANE Select); 26 bases upstream of the start codon, G replaced by A.
Molecular consequence: 5 prime UTR variant.
Genome position (GRCh38, 1-based): chrX:106,038,706, C>T on the plus strand (G>A on the coding strand, the complement: SERPINA7 is on the minus strand). VCF-style: chrX-106038706-C-T. GRCh37 (hg19) VCF-style: chrX-105282697-C-T.
Identifiers: ClinVar variation 3043770 (VCV003043770.2), dbSNP rs189795441, ClinGen allele CA333351554.
Genomic context (GRCh38, chrX:106,038,706, plus strand): 5'-TGACTTGCTGATAGAGATGTTCAAAGTTTCCAAAGAGAAAAAAAGTACTTACAGCAAATG[C>T]CCAAGAATCCACCTGCATCTCTCAGAAAGCAACATCTTTCCATTTTTATAGCATGTCCTG-3'